The following is an entry in ClinVar:

NM_133259.4(LRPPRC):c.211G>T (p.Glu71Ter)

Gene: LRPPRC (leucine rich pentatricopeptide repeat containing; minus strand). Cytogenetic location: 2p21.
Variant type: single nucleotide variant.
Coding change: c.211G>T on transcript NM_133259.4 (MANE Select); coding-DNA position 211, G replaced by T.
Protein change: p.Glu71Ter; replaces glutamic acid 71 with a stop codon.
Molecular consequence: nonsense.
Genome position (GRCh38, 1-based): chr2:43,982,373, C>A on the plus strand (G>T on the coding strand, the complement: LRPPRC is on the minus strand). VCF-style: chr2-43982373-C-A. GRCh37 (hg19) VCF-style: chr2-44209512-C-A.
Other names: short protein forms E71*.
Identifiers: ClinVar variation 5015595 (VCV005015595.1).
Genomic context (GRCh38, chr2:43,982,373, plus strand): 5'-CTAGTCTCATTAGAGCCCAATCAAACTGATTGGAAATCTTCCTAGAAGAAAAAGTGGACT[C>A]CTCTTGAATATCTTTTTCTTTGGCAGCAATGGCATACAGCCTGGCTGGGCTCAGTAGTCC-3'

ClinVar aggregate classification (germline): Pathogenic (1 of 4 stars; one submission).

Conditions:
Congenital lactic acidosis, Saguenay-Lac-Saint-Jean type (MC4DN5). Also called: CYTOCHROME c OXIDASE DEFICIENCY, FRENCH CANADIAN TYPE; COX DEFICIENCY, FRENCH CANADIAN TYPE; MITOCHONDRIAL COMPLEX IV DEFICIENCY, NUCLEAR TYPE 5. Identifiers: Orphanet 70472, MedGen C1857355, MONDO:0009069, OMIM 220111.

Submission:

Myriad Genetics, Inc.
Classification: Pathogenic for Congenital lactic acidosis, Saguenay-Lac-Saint-Jean type. Last evaluated: 2026-02-23. Review status: criteria provided, single submitter. Criteria: Myriad Autosomal Dominant, Autosomal Recessive and X-Linked Classification Criteria (2023). Collection method: clinical testing. Allele origin: unknown.
Comment: NM_133259.3(LRPPRC):c.211G>T(E71*) is expected to be pathogenic in the context of Leigh syndrome, French-Canadian type. This variant is predicted to lead to an abnormal or absent protein product due to the creation of a premature termination codon in LRPPRC, a gene where loss-of-function variants are known to be pathogenic. Please note: this variant was assessed in the context of healthy population screening.